The following is an entry in ClinVar:

ClinVar aggregate classification (germline): Uncertain significance (1 of 4 stars; one submission).

Conditions:
Spermatogenic failure 18. Identifiers: MedGen C4539783, MONDO:0054615, OMIM 617576.
Ciliary dyskinesia, primary, 37 (CILD37). Also called: CILIARY DYSKINESIA, PRIMARY, 37, WITH OR WITHOUT SITUS INVERSUS. Identifiers: MedGen C4539798, MONDO:0033204, OMIM 617577.

Submission:

Labcorp Genetics (formerly Invitae), Labcorp
Classification: Uncertain significance for Ciliary dyskinesia, primary, 37; Spermatogenic failure 18. Last evaluated: 2023-04-06. Review status: criteria provided, single submitter. Criteria: Invitae Variant Classification Sherloc (09022015). Collection method: clinical testing. Allele origin: germline.
Comment: Advanced modeling of protein sequence and biophysical properties (such as structural, functional, and spatial information, amino acid conservation, physicochemical variation, residue mobility, and thermodynamic stability) performed at Invitae indicates that this missense variant is expected to disrupt DNAH1 protein function. This variant is not present in population databases (gnomAD no frequency). This variant has not been reported in the literature in individuals affected with DNAH1-related conditions. In summary, the available evidence is currently insufficient to determine the role of this variant in disease. Therefore, it has been classified as a Variant of Uncertain Significance. This sequence change replaces asparagine, which is neutral and polar, with threonine, which is neutral and polar, at codon 2066 of the DNAH1 protein (p.Asn2066Thr).

NM_015512.5(DNAH1):c.6197A>C (p.Asn2066Thr)

Gene: DNAH1 (dynein axonemal heavy chain 1; plus strand). Cytogenetic location: 3p21.1.
Variant type: single nucleotide variant.
Coding change: c.6197A>C on transcript NM_015512.5 (MANE Select); coding-DNA position 6197, A replaced by C.
Protein change: p.Asn2066Thr; replaces asparagine 2066 with threonine.
Molecular consequence: missense variant.
Genome position (GRCh38, 1-based): chr3:52,370,168, A>C. VCF-style: chr3-52370168-A-C. GRCh37 (hg19) VCF-style: chr3-52404184-A-C.
Other names: short protein forms N2066T.
Identifiers: ClinVar variation 2934511 (VCV002934511.3), dbSNP rs763922942, ClinGen allele CA353157429.